The following is an entry in ClinVar:

NM_002439.5(MSH3):c.1730A>G (p.Lys577Arg)

Gene: MSH3 (mutS homolog 3; plus strand). Cytogenetic location: 5q14.1.
Variant type: single nucleotide variant.
Coding change: c.1730A>G on transcript NM_002439.5 (MANE Select); coding-DNA position 1730, A replaced by G.
Protein change: p.Lys577Arg; replaces lysine 577 with arginine.
Molecular consequence: missense variant.
Genome position (GRCh38, 1-based): chr5:80,744,582, A>G. VCF-style: chr5-80744582-A-G. GRCh37 (hg19) VCF-style: chr5-80040401-A-G.
Other names: short protein forms K577R.
Identifiers: ClinVar variation 3874963 (VCV003874963.1).
Genomic context (GRCh38, chr5:80,744,582, plus strand): 5'-AAGGAAGTTTGCTGTGGGTTTTAGACCACACTAAAACTTCATTTGGGAGACGGAAGTTAA[A>G]GAAGTGGGTGACCCAGCCACTCCTTAAATTAAGGTAAAAGGAATTCTTTTTGGGGTGTTT-3'
Protein context (NP_002430.3, residues 567-587): TKTSFGRRKL[Lys577Arg]KWVTQPLLKL

ClinVar aggregate classification (germline): Uncertain significance (1 of 4 stars; one submission).

Conditions:
Hereditary cancer-predisposing syndrome. Also called: Tumor predisposition; Neoplastic Syndromes, Hereditary; Hereditary Cancer Syndrome; Hereditary neoplastic syndrome. Identifiers: Orphanet 140162, MedGen C0027672, MeSH D009386, MONDO:0015356.

Submission:

Ambry Genetics
Classification: Uncertain significance for Hereditary cancer-predisposing syndrome. Last evaluated: 2025-01-03. Review status: criteria provided, single submitter. Criteria: Ambry Variant Classification Scheme 2023. Collection method: clinical testing. Allele origin: germline.
Comment: The p.K577R variant (also known as c.1730A>G), located in coding exon 12 of the MSH3 gene, results from an A to G substitution at nucleotide position 1730. The lysine at codon 577 is replaced by arginine, an amino acid with highly similar properties. This amino acid position is conserved. In addition, this alteration is predicted to be tolerated by in silico analysis. Based on the available evidence, the clinical significance of this variant remains unclear.